The following is an entry in ClinVar:

ClinVar aggregate classification (germline): Conflicting classifications of pathogenicity. Review status: criteria provided, conflicting classifications (1 of 4 stars). 4 submissions from 4 submitters: Uncertain significance (3); Likely benign (1). Last evaluated 2025-06-25.

Conditions:
Autoinflammatory syndrome. Identifiers: Orphanet 93665, MedGen C3890737, MONDO:0019751.
Familial hemophagocytic lymphohistiocytosis 3 (FHL3). Also called: UNC13D-Related Familial Hemophagocytic Lymphohistiocytosis (UNC13D-fHLH). Identifiers: Orphanet 540, MedGen C1837174, MONDO:0012146, OMIM 608898.

Submissions (4):

Mayo Clinic Laboratories, Mayo Clinic
Classification: Uncertain significance. Last evaluated: 2025-06-25. Review status: criteria provided, single submitter. Criteria: ACMG Guidelines, 2015. Collection method: clinical testing. Allele origin: germline. Observed: 1 variant allele.
Comment: BS1, PM4

Labcorp Genetics (formerly Invitae), Labcorp
Classification: Uncertain significance for Familial hemophagocytic lymphohistiocytosis 3. Last evaluated: 2025-01-25. Review status: criteria provided, single submitter. Criteria: Invitae Variant Classification Sherloc (09022015). Collection method: clinical testing. Allele origin: germline.
Comment: This variant, c.283_285dup, results in the insertion of 1 amino acid(s) of the UNC13D protein (p.Glu95dup), but otherwise preserves the integrity of the reading frame. This variant is present in population databases (rs772459675, gnomAD 0.1%), including at least one homozygous and/or hemizygous individual. This variant has not been reported in the literature in individuals affected with UNC13D-related conditions. ClinVar contains an entry for this variant (Variation ID: 655464). Experimental studies and prediction algorithms are not available or were not evaluated, and the functional significance of this variant is currently unknown. In summary, the available evidence is currently insufficient to determine the role of this variant in disease. Therefore, it has been classified as a Variant of Uncertain Significance.

Blueprint Genetics
Classification: Likely benign. Last evaluated: 2024-11-25. Review status: criteria provided, single submitter. Criteria: ACMG Guidelines, 2015. Collection method: clinical testing. Allele origin: germline.

Genome Diagnostics Laboratory, The Hospital for Sick Children
Classification: Uncertain significance for Autoinflammatory syndrome. Last evaluated: 2017-11-01. Review status: criteria provided, single submitter. Criteria: ACMG Guidelines, 2015. Collection method: clinical testing. Allele origin: germline. Affected: yes.

NM_199242.3(UNC13D):c.280GAG[3] (p.Glu95dup)

Gene: UNC13D (unc-13 homolog D; minus strand). Cytogenetic location: 17q25.1.
Variant type: Microsatellite.
Coding change: c.280GAG[3] on transcript NM_199242.3 (MANE Select); three copies in a row of the 3-base unit GAG starting at c.280; the reference has two copies in a row; one copy, 3 bases duplicated.
Protein change: p.Glu95dup; duplicates glutamic acid 95.
Molecular consequence: inframe insertion.
Genome position (GRCh38, 1-based): chr17:75,843,050-75,843,052, CTC duplicated on the plus strand (GAG on the coding strand, the reverse complement: UNC13D is on the minus strand); duplicating any 3 consecutive bases within chr17:75,843,050-75,843,055 gives the same sequence; the position shown is the placement nearest the transcript's 3' end. VCF-style (leftmost placement, unchanged base first): chr17-75843049-G-GCTC. GRCh37 (hg19) VCF-style: chr17-73839130-G-GCTC.
Other names: p.Glu95dup; c.283_285dupGAG (NM_199242.2).
Identifiers: ClinVar variation 655464 (VCV000655464.14), dbSNP rs772459675, ClinGen allele CA8773539.
Genomic context (GRCh38, chr17:75,843,049, plus strand): 5'-CAGGGGGACCCTGGCCCCAGGTTACCTCAAGCTCCCTGACCCGCTGCAGTGTCTGCTGGT[G>GCTC]CTCCTCGGGCTCCACGTGGAAGGCCTGGTGGGGAGGCAGGCGGGTGGGTGGCTGGGGGCA-3'